The following is an entry in ClinVar:

NM_032043.3(BRIP1):c.2258-1G>C

Gene: BRIP1 (BRCA1 interacting DNA helicase 1; minus strand). Cytogenetic location: 17q23.2.
Variant type: single nucleotide variant.
Coding change: c.2258-1G>C on transcript NM_032043.3 (MANE Select); the canonical splice acceptor site of the intron before coding-DNA position 2258, G replaced by C.
Molecular consequence: splice acceptor variant.
Genome position (GRCh38, 1-based): chr17:61,743,135, C>G on the plus strand (G>C on the coding strand, the complement: BRIP1 is on the minus strand). VCF-style: chr17-61743135-C-G. GRCh37 (hg19) VCF-style: chr17-59820496-C-G.
Identifiers: ClinVar variation 2584326 (VCV002584326.5), dbSNP rs1064793887, ClinGen allele CA400482770.

ClinVar aggregate classification (germline): Pathogenic/Likely pathogenic. Review status: criteria provided, multiple submitters, no conflicts (2 of 4 stars). 2 submissions from 2 submitters: Pathogenic (1); Likely pathogenic (1). Last evaluated 2025-01-15.

Conditions:
Fanconi anemia complementation group J. Also called: BRIP1-Related Fanconi Anemia. Identifiers: Orphanet 84, MedGen C1836860, MONDO:0012187, OMIM 609054.
Familial cancer of breast. Also called: Hereditary breast cancer; hereditary breast carcinoma; BREAST CANCER, FAMILIAL. Identifiers: Orphanet 227535, MedGen C0346153, MONDO:0016419, OMIM 114480. Disease mechanism: loss of function.

Submissions (2):

Labcorp Genetics (formerly Invitae), Labcorp
Classification: Pathogenic for Familial cancer of breast; Fanconi anemia complementation group J. Last evaluated: 2025-01-15. Review status: criteria provided, single submitter. Criteria: Invitae Variant Classification Sherloc (09022015). Collection method: clinical testing. Allele origin: germline.
Comment: This sequence change affects an acceptor splice site in intron 15 of the BRIP1 gene. RNA analysis indicates that disruption of this splice site induces altered splicing and may result in an absent or altered protein product. This variant is not present in population databases (gnomAD no frequency). Disruption of this splice site has been observed in individual(s) with breast cancer and/or ovarian cancer (PMID: 29053726, 30322717). ClinVar contains an entry for this variant (Variation ID: 2584326). Studies have shown that disruption of this splice site results in skipping of exon 16, and produces a non-functional protein and/or introduces a premature termination codon (internal data). For these reasons, this variant has been classified as Pathogenic.

Myriad Genetics, Inc.
Classification: Likely pathogenic for Familial cancer of breast. Last evaluated: 2023-06-06. Review status: criteria provided, single submitter. Criteria: Myriad Autosomal Dominant, Autosomal Recessive and X-Linked Classification Criteria (2023). Collection method: clinical testing. Allele origin: unknown.
Comment: This variant is considered likely pathogenic. This variant occurs within a consensus splice junction and is predicted to result in abnormal mRNA splicing of either an out-of-frame exon or an in-frame exon necessary for protein stability and/or normal function.

Literature cited by the submitters: PubMed 29053726 (cited by Labcorp Genetics (formerly Invitae), Labcorp); PubMed 30322717 (cited by Labcorp Genetics (formerly Invitae), Labcorp).